The following is an entry in ClinVar:

ClinVar aggregate classification (germline): Benign/Likely benign. Review status: criteria provided, multiple submitters, no conflicts (2 of 4 stars). 8 submissions from 5 submitters: Benign (2); Likely benign (6). Last evaluated 2025-11-13.

Conditions:
Osteoglophonic dysplasia (OGD). Also called: Osteoglophonic dwarfism. Identifiers: Orphanet 2645, MedGen C0432283, MONDO:0008150, OMIM 166250.
Trigonocephaly 1 (TRIGNO1). Identifiers: Orphanet 3366, MedGen C0432122, MONDO:0008603, OMIM 190440.
Hypogonadotropic hypogonadism 2 with or without anosmia (HH2). Also called: HYPOGONADOTROPIC HYPOGONADISM 2 WITHOUT ANOSMIA; HYPOGONADOTROPIC HYPOGONADISM 2 WITH OR WITHOUT ANOSMIA, SUSCEPTIBILITY TO; HYPOGONADOTROPIC HYPOGONADISM 2 WITHOUT ANOSMIA, SUSCEPTIBILITY TO; FGFR1-Related GnRH Deficiency (Kallmann Syndrome 2). Identifiers: Orphanet 478, MedGen C1563720, MONDO:0007844, OMIM 147950. Disease mechanism: loss of function.
Pfeiffer syndrome (ACS5). Also called: ACS V. Identifiers: Orphanet 710, MedGen C0220658, MONDO:0007043, OMIM 101600.
Craniosynostosis syndrome. Also called: Craniosynostosis. Identifiers: Orphanet 1531, MedGen C0010278, MeSH D003398, MONDO:0015469, HP:0001363.

Allele frequency attached by ClinVar (database versions not stated): ESP Exome Variant Server 0.00008; gnomAD exomes 0.00008 and 0.00012; ExAC 0.00009; gnomAD 0.00015; 1000 Genomes Project 30x 0.00016; TOPMed 0.00018; 1000 Genomes Project 0.00020.
gnomAD v4.1: 150 of 1,612,706 alleles (0.0093%); highest among the groups gnomAD compares: Middle Eastern, 0.39%; 1 homozygote.

Submissions (8):

Labcorp Genetics (formerly Invitae), Labcorp
Classification: Likely benign for Pfeiffer syndrome; Hypogonadotropic hypogonadism 2 with or without anosmia. Last evaluated: 2025-11-13. Review status: criteria provided, single submitter. Criteria: Invitae Variant Classification Sherloc (09022015). Collection method: clinical testing. Allele origin: germline.

Blueprint Genetics
Classification: Likely benign. Last evaluated: 2024-11-14. Review status: criteria provided, single submitter. Criteria: ACMG Guidelines, 2015. Collection method: clinical testing. Allele origin: germline.

Women's Health and Genetics/Laboratory Corporation of America, LabCorp
Classification: Likely benign. Last evaluated: 2024-07-16. Review status: criteria provided, single submitter. Criteria: LabCorp Variant Classification Summary - May 2015. Collection method: clinical testing. Allele origin: germline.

GeneDx
Classification: Likely benign. Last evaluated: 2020-01-09. Review status: criteria provided, single submitter. Criteria: GeneDx Variant Classification Process June 2021. Collection method: clinical testing. Allele origin: germline. Affected: yes.

Illumina Laboratory Services, Illumina
Classification: Benign for Trigonocephaly 1. Last evaluated: 2018-01-13. Review status: criteria provided, single submitter. Criteria: ICSL Variant Classification Criteria 13 December 2019. Collection method: clinical testing. Allele origin: germline.
Comment: This variant was observed in the ICSL laboratory as part of a predisposition screen in an ostensibly healthy population. It had not been previously curated by ICSL or reported in the Human Gene Mutation Database (HGMD: prior to June 1st, 2018), and was therefore a candidate for classification through an automated scoring system. Utilizing variant allele frequency, disease prevalence and penetrance estimates, and inheritance mode, an automated score was calculated to assess if this variant is too frequent to cause the disease. Based on the score and internal cut-off values, a variant classified as benign is not then subjected to further curation. The score for this variant resulted in a classification of benign for this disease.

Illumina Laboratory Services, Illumina
Classification: Benign for Osteoglophonic dysplasia. Last evaluated: 2018-01-13. Review status: criteria provided, single submitter. Criteria: ICSL Variant Classification Criteria 13 December 2019. Collection method: clinical testing. Allele origin: germline.
Comment: the same text as in the submission from Illumina Laboratory Services, Illumina above.

Illumina Laboratory Services, Illumina
Classification: Likely benign for Craniosynostosis. Last evaluated: 2018-01-13. Review status: criteria provided, single submitter. Criteria: ICSL Variant Classification Criteria 13 December 2019. Collection method: clinical testing. Allele origin: germline.
Comment: This variant was observed in the ICSL laboratory as part of a predisposition screen in an ostensibly healthy population. It had not been previously curated by ICSL or reported in the Human Gene Mutation Database (HGMD: prior to June 1st, 2018), and was therefore a candidate for classification through an automated scoring system. Utilizing variant allele frequency, disease prevalence and penetrance estimates, and inheritance mode, an automated score was calculated to assess if this variant is too frequent to cause the disease. Based on the score and internal cut-off values, a variant classified as likely benign is not then subjected to further curation. The score for this variant resulted in a classification of likely benign for this disease.

Illumina Laboratory Services, Illumina
Classification: Likely benign for Hypogonadotropic hypogonadism 2 with or without anosmia. Last evaluated: 2018-01-13. Review status: criteria provided, single submitter. Criteria: ICSL Variant Classification Criteria 13 December 2019. Collection method: clinical testing. Allele origin: germline.
Comment: the same text as in the submission from Illumina Laboratory Services, Illumina above.

NM_023110.3(FGFR1):c.1082-13C>T

Gene: FGFR1 (fibroblast growth factor receptor 1; minus strand). Cytogenetic location: 8p11.23.
Variant type: single nucleotide variant.
Coding change: c.1082-13C>T on transcript NM_023110.3 (MANE Select); 13 bases into the intron before coding-DNA position 1082, C replaced by T.
Molecular consequence: intron variant.
Genome position (GRCh38, 1-based): chr8:38,419,748, G>A on the plus strand (C>T on the coding strand, the complement: FGFR1 is on the minus strand). VCF-style: chr8-38419748-G-A. GRCh37 (hg19) VCF-style: chr8-38277266-G-A.
Other names: c.809-13C>T (NM_001354368.2, NM_001354370.2, NM_023106.3); c.815-13C>T (NM_023105.3, NM_001174066.2); c.1076-13C>T (NM_001354367.2, NM_015850.4, NM_001354369.2 and 1 more transcripts); c.1082-13C>T (NM_001174063.2); c.1058-13C>T (NM_001174064.2); c.1175-13C>T (NM_001174067.2).
Identifiers: ClinVar variation 362897 (VCV000362897.16), dbSNP rs185831613, ClinGen allele CA4718486.